The following is an entry in ClinVar:

ClinVar aggregate classification (germline): Uncertain significance (1 of 4 stars; one submission).

Submission:

GeneDx
Classification: Uncertain significance. Last evaluated: 2024-06-10. Review status: criteria provided, single submitter. Criteria: GeneDx Variant Classification Process June 2021. Collection method: clinical testing. Allele origin: germline. Affected: yes.
Comment: In silico analysis supports that this missense variant has a deleterious effect on protein structure/function; Not observed at significant frequency in large population cohorts (gnomAD); Has not been previously published as pathogenic or benign to our knowledge

NM_004208.4(AIFM1):c.646G>T (p.Asp216Tyr)

Genes: AIFM1 (apoptosis inducing factor mitochondria associated 1; minus strand), RAB33A (RAB33A, member RAS oncogene family; plus strand). Cytogenetic location: Xq26.1.
Variant type: single nucleotide variant.
Coding change: c.646G>T on transcript NM_004208.4 (MANE Select); coding-DNA position 646, G replaced by T.
Protein change: p.Asp216Tyr; replaces aspartic acid 216 with tyrosine.
Molecular consequence: missense variant. On other transcripts: non-coding transcript variant (1).
Genome position (GRCh38, 1-based): chrX:130,145,529, C>A on the plus strand (G>T on the coding strand, the complement: AIFM1 is on the minus strand). VCF-style: chrX-130145529-C-A. GRCh37 (hg19) VCF-style: chrX-129279504-C-A.
Other names: c.646G>T, p.Asp216Tyr (NM_001130847.4); c.634G>T, p.Asp212Tyr (NM_145812.3); short protein forms D212Y, D216Y.
Identifiers: ClinVar variation 3390809 (VCV003390809.1).
Genomic context (GRCh38, chrX:130,145,529, plus strand): 5'-ACTAGCTCACCTTCTTCCCAGTGAGGACAGCCACACCACCATTCTCAATATGAGGCAGGT[C>A]CTGAGCAGAGACATAGAAAGAAGGTGGCTGGAAATATATGCTGTATGGAGAAGAGAGGGA-3'
Protein context (NP_004199.1, residues 206-226): QPPSFYVSAQ[Asp216Tyr]LPHIENGGVA